The following is an entry in ClinVar:

ClinVar aggregate classification (germline): Uncertain significance (1 of 4 stars; one submission).

Conditions:
Inborn genetic diseases. Identifiers: MedGen C0950123, MeSH D030342.

Allele frequency attached by ClinVar (database versions not stated): gnomAD exomes below 0.00001; TOPMed below 0.00001; gnomAD 0.00001.
gnomAD v4.1: 3 of 1,613,200 alleles (0.00019%); highest among the groups gnomAD compares: South Asian, 0.0011%; no homozygotes.

Submission:

Ambry Genetics
Classification: Uncertain significance for Inborn genetic diseases. Last evaluated: 2022-03-27. Review status: criteria provided, single submitter. Criteria: Ambry Variant Classification Scheme 2023. Collection method: clinical testing. Allele origin: germline.
Comment: The p.G274A variant (also known as c.821G>C), located in coding exon 7 of the EPAS1 gene, results from a G to C substitution at nucleotide position 821. The glycine at codon 274 is replaced by alanine, an amino acid with similar properties. This amino acid position is conserved. In addition, the in silico prediction for this alteration is inconclusive. Since supporting evidence is limited at this time, the clinical significance of this alteration remains unclear.

NM_001430.5(EPAS1):c.821G>C (p.Gly274Ala)

Gene: EPAS1 (endothelial PAS domain protein 1; plus strand). Cytogenetic location: 2p21.
Variant type: single nucleotide variant.
Coding change: c.821G>C on transcript NM_001430.5 (MANE Select); coding-DNA position 821, G replaced by C.
Protein change: p.Gly274Ala; replaces glycine 274 with alanine.
Molecular consequence: missense variant.
Genome position (GRCh38, 1-based): chr2:46,369,868, G>C. VCF-style: chr2-46369868-G-C. GRCh37 (hg19) VCF-style: chr2-46597007-G-C.
Other names: short protein forms G274A.
Identifiers: ClinVar variation 1762513 (VCV001762513.2), dbSNP rs1473115705, ClinGen allele CA346701681.